The following is an entry in ClinVar:

NM_001008537.3(NEXMIF):c.1014dup (p.Pro339fs)

Gene: NEXMIF (neurite extension and migration factor; minus strand). Cytogenetic location: Xq13.3.
Variant type: Duplication.
Coding change: c.1014dup on transcript NM_001008537.3 (MANE Select); coding-DNA position 1014, one base duplicated (T; older notation c.1014dupT).
Protein change: p.Pro339fs; shifts the reading frame from proline 339.
Molecular consequence: frameshift variant.
Genome position (GRCh38, 1-based): chrX:74,743,543, A duplicated on the plus strand (T on the coding strand, the reverse complement: NEXMIF is on the minus strand); the first of 6 consecutive A bases (chrX:74,743,543-74,743,548); duplicating any one gives the same sequence. VCF-style (leftmost placement, unchanged base first): chrX-74743542-G-GA. GRCh37 (hg19) VCF-style: chrX-73963377-G-GA.
Other names: short protein forms P339fs.
Identifiers: ClinVar variation 504074 (VCV000504074.2), dbSNP rs1556016723, ClinGen allele CA645608805.

ClinVar aggregate classification (germline): Pathogenic (1 of 4 stars; one submission).

Submission:

GeneDx
Classification: Pathogenic. Last evaluated: 2018-01-05. Review status: criteria provided, single submitter. Criteria: GeneDx Variant Classification (06012015). Collection method: clinical testing. Allele origin: germline. Affected: yes.
Comment: The c.1014dupT variant in the KIAA2022 gene has not been reported previously as a pathogenic variant nor as a benign variant, to our knowledge. The c.1014dupT variant causes a frameshift starting with codon Proline 339, changes this amino acid to a Serine residue, and creates a premature Stop codon at position 13 of the new reading frame, denoted p.Pro339SerfsX13. This variant is predicted to cause loss of normal protein function either through protein truncation or nonsense-mediated mRNA decay. The c.1014dupT variant is not observed in large population cohorts (Lek et al., 2016). We interpret c.1014dupT as a pathogenic variant.